The following is an entry in ClinVar:

ClinVar aggregate classification (germline): Likely pathogenic (1 of 4 stars; one submission).

Conditions:
Joubert syndrome 23 (JBTS23). Identifiers: Orphanet 475, MedGen C4084822, MONDO:0014664, OMIM 616490.
Short-rib thoracic dysplasia 14 with polydactyly (SRTD14). Identifiers: Orphanet 397715, MedGen C4225286, MONDO:0014688, OMIM 616546.

Allele frequency attached by ClinVar (database versions not stated): gnomAD exomes 0.00001.
gnomAD v4.1: 9 of 1,585,166 alleles (0.00057%); highest among the groups gnomAD compares: South Asian, 0.0011%; no homozygotes.

Submission:

Labcorp Genetics (formerly Invitae), Labcorp
Classification: Likely pathogenic for Joubert syndrome 23; Short-rib thoracic dysplasia 14 with polydactyly. Last evaluated: 2025-03-20. Review status: criteria provided, single submitter. Criteria: Invitae Variant Classification Sherloc (09022015). Collection method: clinical testing. Allele origin: germline.
Comment: This sequence change affects an acceptor splice site in intron 3 of the KIAA0586 gene. It is expected to disrupt RNA splicing. Variants that disrupt the donor or acceptor splice site typically lead to a loss of protein function (PMID: 16199547), and loss-of-function variants in KIAA0586 are known to be pathogenic (PMID: 26096313, 26166481, 26386044). This variant is present in population databases (no rsID available, gnomAD 0.004%). This variant has not been reported in the literature in individuals affected with KIAA0586-related conditions. ClinVar contains an entry for this variant (Variation ID: 2938340). Algorithms developed to predict the effect of sequence changes on RNA splicing suggest that this variant may disrupt the consensus splice site. In summary, the currently available evidence indicates that the variant is pathogenic, but additional data are needed to prove that conclusively. Therefore, this variant has been classified as Likely Pathogenic.

Literature cited by the submitters: PubMed 16199547; PubMed 26096313; PubMed 26166481; PubMed 26386044.

NM_001329943.3(KIAA0586):c.271-1G>A

Gene: KIAA0586 (KIAA0586; plus strand). Cytogenetic location: 14q23.1.
Variant type: single nucleotide variant.
Coding change: c.271-1G>A on transcript NM_001329943.3 (MANE Select); the canonical splice acceptor site of the intron before coding-DNA position 271, G replaced by A.
Molecular consequence: splice acceptor variant.
Genome position (GRCh38, 1-based): chr14:58,430,647, G>A. VCF-style: chr14-58430647-G-A. GRCh37 (hg19) VCF-style: chr14-58897365-G-A.
Other names: c.271-1G>A (NM_001329946.2, NM_001329947.2, NM_014749.5 and 1 more transcripts); c.16-1G>A (NM_001364701.2, NM_001329945.2, NM_001364700.1 and 2 more transcripts); c.307-1G>A (NM_001244189.2); c.226-1G>A (NM_001244190.2).
Identifiers: ClinVar variation 2938340 (VCV002938340.3), dbSNP rs1473309166, ClinGen allele CA389859509.
Genomic context (GRCh38, chr14:58,430,647, plus strand): 5'-TCTTGATAAATAATAAATCATGAAGTTTATTTAGCCTATTTCTTCCTTTCATATCCCAAA[G>A]GATTTTTCTAAAGACGTTGCAGTGCAAGTGTTGCCTTTGGATAAAATAGAAGAGAACAAC-3'